The following is an entry in ClinVar:

ClinVar aggregate classification (germline): Uncertain significance (1 of 4 stars; one submission).

Conditions:
Familial thoracic aortic aneurysm and aortic dissection (TAAD). Also called: Thoracic aortic aneurysms and dissections. Identifiers: Orphanet 91387, MedGen C4707243, MONDO:0019625.

gnomAD v4.1: 1 of 1,614,094 alleles (0.000062%); highest among the groups gnomAD compares: Non-Finnish European, 0.000085%; no homozygotes.

Submission:

Color Diagnostics, LLC DBA Color Health
Classification: Uncertain significance for Familial thoracic aortic aneurysm and aortic dissection. Last evaluated: 2025-10-27. Review status: criteria provided, single submitter. Criteria: ACMG Guidelines, 2015. Collection method: clinical testing. Allele origin: germline.
Comment: This missense variant replaces alanine with valine at codon 1423 of the FBN1 protein. Computational prediction suggests that this variant may not impact protein structure and function. To our knowledge, functional studies have not been reported for this variant. This variant has not been reported in individuals affected with FBN1-related disorders in the literature. This variant has been identified in 1/152212 chromosomes in the general population by the Genome Aggregation Database (gnomAD). The available evidence is insufficient to determine the role of this variant in disease conclusively. Therefore, this variant is classified as a Variant of Uncertain Significance.

NM_000138.5(FBN1):c.4268C>T (p.Ala1423Val)

Genes: FBN1 (fibrillin 1; minus strand), LOC126862124 (CDK7 strongly-dependent group 2 enhancer GRCh37_chr15:48764566-48765765; plus strand). Cytogenetic location: 15q21.1.
Variant type: single nucleotide variant.
Coding change: c.4268C>T on transcript NM_000138.5 (MANE Select); coding-DNA position 4268, C replaced by T.
Protein change: p.Ala1423Val; replaces alanine 1423 with valine.
Molecular consequence: missense variant.
Genome position (GRCh38, 1-based): chr15:48,472,619, G>A on the plus strand (C>T on the coding strand, the complement: FBN1 is on the minus strand). VCF-style: chr15-48472619-G-A. GRCh37 (hg19) VCF-style: chr15-48764816-G-A.
Other names: c.4268C>T, p.Ala1423Val (NM_001406716.1); short protein forms A1423V.
Identifiers: ClinVar variation 4758147 (VCV004758147.1).